The following is an entry in ClinVar:

NM_006514.4(SCN10A):c.4106G>T (p.Trp1369Leu)

Gene: SCN10A (sodium voltage-gated channel alpha subunit 10; minus strand). Cytogenetic location: 3p22.2.
Variant type: single nucleotide variant.
Coding change: c.4106G>T on transcript NM_006514.4 (MANE Select); coding-DNA position 4106, G replaced by T.
Protein change: p.Trp1369Leu; replaces tryptophan 1369 with leucine.
Molecular consequence: missense variant.
Genome position (GRCh38, 1-based): chr3:38,710,881, C>A on the plus strand (G>T on the coding strand, the complement: SCN10A is on the minus strand). VCF-style: chr3-38710881-C-A. GRCh37 (hg19) VCF-style: chr3-38752372-C-A.
Other names: c.4103G>T, p.Trp1368Leu (NM_001293306.2); c.3812G>T, p.Trp1271Leu (NM_001293307.2); short protein forms W1271L, W1368L, W1369L.
Identifiers: ClinVar variation 1004452 (VCV001004452.5), dbSNP rs2063266357, ClinGen allele CA352150259.

ClinVar aggregate classification (germline): Uncertain significance (1 of 4 stars; one submission).

Conditions:
Brugada syndrome. Also called: Sudden unexpected nocturnal death syndrome; Sudden unexplained nocturnal death syndrome; Sudden Unexplained Death Syndrome; Sudden Unexplained Nocturnal Death Syndrome (SUNDS). Identifiers: Orphanet 130, MedGen C1142166, MONDO:0015263.

Allele frequency attached by ClinVar (database versions not stated): TOPMed 0.00001.

Submission:

Labcorp Genetics (formerly Invitae), Labcorp
Classification: Uncertain significance for Brugada syndrome. Last evaluated: 2025-01-06. Review status: criteria provided, single submitter. Criteria: Invitae Variant Classification Sherloc (09022015). Collection method: clinical testing. Allele origin: germline.
Comment: This sequence change replaces tryptophan, which is neutral and slightly polar, with leucine, which is neutral and non-polar, at codon 1369 of the SCN10A protein (p.Trp1369Leu). This variant is not present in population databases (gnomAD no frequency). This variant has not been reported in the literature in individuals affected with SCN10A-related conditions. ClinVar contains an entry for this variant (Variation ID: 1004452). Invitae Evidence Modeling of protein sequence and biophysical properties (such as structural, functional, and spatial information, amino acid conservation, physicochemical variation, residue mobility, and thermodynamic stability) indicates that this missense variant is expected to disrupt SCN10A protein function with a positive predictive value of 80%. In summary, the available evidence is currently insufficient to determine the role of this variant in disease. Therefore, it has been classified as a Variant of Uncertain Significance.